The following is an entry in ClinVar:

ClinVar aggregate classification (germline): Uncertain significance (1 of 4 stars; one submission).

Conditions:
Early-infantile DEE. Also called: Early infantile epileptic encephalopathy; Early infantile epileptic encephalopathy with suppression bursts; Ohtahara syndrome. Identifiers: Orphanet 1934, MedGen C0393706, MONDO:0800491.

Allele frequency attached by ClinVar (database versions not stated): gnomAD exomes below 0.00001.
gnomAD v4.1: 1 of 1,613,006 alleles (0.000062%); highest among the groups gnomAD compares: Middle Eastern, 0.017%; no homozygotes.

Submission:

Labcorp Genetics (formerly Invitae), Labcorp
Classification: Uncertain significance for Early-infantile DEE. Last evaluated: 2023-12-18. Review status: criteria provided, single submitter. Criteria: Invitae Variant Classification Sherloc (09022015). Collection method: clinical testing. Allele origin: germline.
Comment: This sequence change falls in intron 9 of the KCNH5 gene. It does not directly change the encoded amino acid sequence of the KCNH5 protein. It affects a nucleotide within the consensus splice site. This variant is not present in population databases (gnomAD no frequency). This variant has not been reported in the literature in individuals affected with KCNH5-related conditions. Variants that disrupt the consensus splice site are a relatively common cause of aberrant splicing (PMID: 17576681, 9536098). Algorithms developed to predict the effect of sequence changes on RNA splicing suggest that this variant is not likely to affect RNA splicing. In summary, the available evidence is currently insufficient to determine the role of this variant in disease. Therefore, it has been classified as a Variant of Uncertain Significance.

Literature cited by the submitters: PubMed 17576681; PubMed 9536098.

NM_139318.5(KCNH5):c.1822+5T>C

Gene: KCNH5 (potassium voltage-gated channel subfamily H member 5; minus strand). Cytogenetic location: 14q23.2.
Variant type: single nucleotide variant.
Coding change: c.1822+5T>C on transcript NM_139318.5 (MANE Select); 5 bases into the intron after coding-DNA position 1822, T replaced by C.
Molecular consequence: intron variant.
Genome position (GRCh38, 1-based): chr14:62,802,324, A>G on the plus strand (T>C on the coding strand, the complement: KCNH5 is on the minus strand). VCF-style: chr14-62802324-A-G. GRCh37 (hg19) VCF-style: chr14-63269042-A-G.
Other names: c.1822+5T>C (NM_172375.3).
Identifiers: ClinVar variation 2788044 (VCV002788044.3), dbSNP rs1224852549, ClinGen allele CA707554794.